The following is an entry in ClinVar:

ClinVar aggregate classification (germline): Uncertain significance. Review status: criteria provided, multiple submitters, no conflicts (2 of 4 stars). 2 submissions from 2 submitters: Uncertain significance (2). Last evaluated 2026-03-22.

Conditions:
Juvenile polyposis syndrome (JPS). Identifiers: Orphanet 2929, MedGen C0345893, MONDO:0017380, OMIM 174900.

Submissions (2):

GeneDx
Classification: Uncertain significance. Last evaluated: 2026-03-22. Review status: criteria provided, single submitter. Criteria: GeneDx Variant Classification Process June 2021. Collection method: clinical testing. Allele origin: germline.
Comment: Not observed at significant frequency in large population cohorts (gnomAD); Has not been previously published as pathogenic or benign to our knowledge; In silico analysis suggests this variant may impact gene splicing. In the absence of RNA/functional studies, the actual effect of this sequence change is unknown.

Labcorp Genetics (formerly Invitae), Labcorp
Classification: Uncertain significance for Juvenile polyposis syndrome. Last evaluated: 2019-08-17. Review status: criteria provided, single submitter. Criteria: Invitae Variant Classification Sherloc (09022015). Collection method: clinical testing. Allele origin: germline.
Comment: This sequence change falls in intron 3 of the SMAD4 gene. It does not directly change the encoded amino acid sequence of the SMAD4 protein. This variant is not present in population databases (ExAC no frequency). This variant has not been reported in the literature in individuals with SMAD4-related conditions. Algorithms developed to predict the effect of sequence changes on RNA splicing suggest that this variant may disrupt the consensus splice site, but this prediction has not been confirmed by published transcriptional studies. In summary, the available evidence is currently insufficient to determine the role of this variant in disease. Therefore, it has been classified as a Variant of Uncertain Significance.

NM_005359.6(SMAD4):c.425-5T>G

Gene: SMAD4 (SMAD family member 4; plus strand). Cytogenetic location: 18q21.2.
Variant type: single nucleotide variant.
Coding change: c.425-5T>G on transcript NM_005359.6 (MANE Select); 5 bases into the intron before coding-DNA position 425, T replaced by G.
Molecular consequence: intron variant.
Genome position (GRCh38, 1-based): chr18:51,049,290, T>G. VCF-style: chr18-51049290-T-G. GRCh37 (hg19) VCF-style: chr18-48575660-T-G.
Identifiers: ClinVar variation 960988 (VCV000960988.10), dbSNP rs1555685238, ClinGen allele CA1139666091.
Genomic context (GRCh38, chr18:51,049,290, plus strand): 5'-TAAATGGAAAATACTTTCATTGTAATGATTAATGTTTCATTTGTTTTCCCCTTTAAACAA[T>G]TAAGATCTCTCAGGATTAACACTGCAGAGTAATGGTAGGTAATCTGTTTCTTACTACTTT-3'